The following is an entry in ClinVar:

ClinVar aggregate classification (germline): Conflicting classifications of pathogenicity. Review status: criteria provided, conflicting classifications (1 of 4 stars). 5 submissions from 5 submitters: Pathogenic (1); Likely pathogenic (3); Uncertain significance (1). Last evaluated 2024-08-05.

Conditions:
CFTR-related disorder (CFTR-RD). Also called: CFTR-related condition; CFTR-related disorders. Identifiers: MedGen C5924204, MONDO:7770004.
Cystic fibrosis (CF). Also called: MUCOVISCIDOSIS. Identifiers: Orphanet 586, MedGen C0010674, MONDO:0009061, OMIM 219700. Disease mechanism: loss of function.

Allele frequency attached by ClinVar (database versions not stated): gnomAD exomes below 0.00001; TOPMed below 0.00001.
gnomAD v4.1: 1 of 1,614,100 alleles (0.000062%); no homozygotes.

Submissions (5):

Women's Health and Genetics/Laboratory Corporation of America, LabCorp
Classification: Likely pathogenic for Cystic fibrosis. Last evaluated: 2024-08-05. Review status: criteria provided, single submitter. Criteria: LabCorp Variant Classification Summary - May 2015. Collection method: clinical testing. Allele origin: germline.
Comment: Variant summary: CFTR c.598T>A (p.Phe200Ile) results in a non-conservative amino acid change located in the ABC transporter type 1, transmembrane domain (IPR011527) of the encoded protein sequence. Four of five in-silico tools predict a damaging effect of the variant on protein function. The variant allele was found at a frequency of 4e-06 in 251450 control chromosomes (gnomAD). c.598T>A has been reported in the literature in an individual affected with CBAVD (Steiner_2011). These data do not allow any conclusion about variant significance. At least one publication reports experimental evidence evaluating an impact on protein function. The most pronounced variant effect resulted in approximately 3% of normal chloride channel conductance relative to wild type (Bihler_2024). The following publications have been ascertained in the context of this evaluation (PMID: 31674704, 38388235, 21520337). ClinVar contains an entry for this variant (Variation ID: 54021). Based on the evidence outlined above, the variant was classified as likely pathogenic.

Genome-Nilou Lab
Classification: Likely pathogenic for Cystic fibrosis. Last evaluated: 2021-07-22. Review status: criteria provided, single submitter. Criteria: ACMG Guidelines, 2015. Collection method: clinical testing. Allele origin: germline. Affected: no.

CFTR-France
Classification: Pathogenic for CFTR-related disorders. Last evaluated: 2018-01-29. Review status: criteria provided, single submitter. Criteria: Claustres M et al. (Hum Mutat 2017). Collection method: curation. Allele origin: germline. Affected: yes.

Quest Diagnostics Nichols Institute San Juan Capistrano
Classification: Uncertain significance. Last evaluated: 2017-06-19. Review status: criteria provided, single submitter. Criteria: Quest Diagnostics criteria. Collection method: clinical testing. Allele origin: germline.

Neuberg Centre For Genomic Medicine, NCGM
Classification: Likely pathogenic for Cystic fibrosis. Review status: criteria provided, single submitter. Criteria: ACMG Guidelines, 2015. Collection method: clinical testing. Allele origin: germline. Inheritance: Autosomal recessive inheritance. Affected: yes.
Comment: The missense c.598T>Ap.Phe200Ile variant in CFTR gene has been reported previously in homozygous or compound heterozygous state in individuals affected with Cystic fibrosis Dorfman et al., 2010. This variant is reported with the allele frequency of 0.0004% in the gnomAD Exomes and novel in 1000 Genomes. This variant has been reported to the ClinVar database as Uncertain Significance / Likely Pathogenic / Pathogenic. However, study of the variant in multiple affected individuals and its functional impact on the protein is required to determine the pathogenicity of the variant. The amino acid Phe at position 200 is changed to a Ile changing protein sequence and it might alter its composition and physico-chemical properties. The amino acid change p.Phe200Ile in CFTR is predicted as conserved by GERP++ and PhyloP across 100 vertebrates. This variant is located in a mutational hot spot. The variant is predicted as damaging by SIFT. For these reasons, this variant has been classified as Likely Pathogenic.

Literature cited by the submitters: PubMed 21520337 (cited by Women's Health and Genetics/Laboratory Corporation of America, LabCorp); PubMed 31674704 (cited by Women's Health and Genetics/Laboratory Corporation of America, LabCorp); PubMed 38388235 (cited by Women's Health and Genetics/Laboratory Corporation of America, LabCorp); PubMed 20059485 (cited by Quest Diagnostics Nichols Institute San Juan Capistrano).

NM_000492.4(CFTR):c.598T>A (p.Phe200Ile)

Gene: CFTR (CF transmembrane conductance regulator; plus strand). Cytogenetic location: 7q31.2.
Variant type: single nucleotide variant.
Coding change: c.598T>A on transcript NM_000492.4 (MANE Select); coding-DNA position 598, T replaced by A.
Protein change: p.Phe200Ile; replaces phenylalanine 200 with isoleucine.
Molecular consequence: missense variant.
Genome position (GRCh38, 1-based): chr7:117,535,266, T>A. VCF-style: chr7-117535266-T-A. GRCh37 (hg19) VCF-style: chr7-117175320-T-A.
Other names: short protein forms F200I.
Identifiers: ClinVar variation 54021 (VCV000054021.9), dbSNP rs397508766, ClinGen allele CA327592.